The following is an entry in ClinVar:

NM_001134831.2(AHI1):c.2561G>T (p.Cys854Phe)

Gene: AHI1 (Abelson helper integration site 1; minus strand). Cytogenetic location: 6q23.3.
Variant type: single nucleotide variant.
Coding change: c.2561G>T on transcript NM_001134831.2 (MANE Select); coding-DNA position 2561, G replaced by T.
Protein change: p.Cys854Phe; replaces cysteine 854 with phenylalanine.
Molecular consequence: missense variant.
Genome position (GRCh38, 1-based): chr6:135,428,691, C>A on the plus strand (G>T on the coding strand, the complement: AHI1 is on the minus strand). VCF-style: chr6-135428691-C-A. GRCh37 (hg19) VCF-style: chr6-135749829-C-A.
Other names: c.2561G>T, p.Cys854Phe (NM_001134830.2, NM_001134832.2, NM_001350503.2 and 2 more transcripts); short protein forms C854F.
Identifiers: ClinVar variation 242516 (VCV000242516.10), dbSNP rs745507530, ClinGen allele CA352244.

ClinVar aggregate classification (germline): Uncertain significance. Review status: criteria provided, multiple submitters, no conflicts (2 of 4 stars). 4 submissions from 4 submitters: Uncertain significance (4). Last evaluated 2026-05-13.

Conditions:
AHI1-related disorder. Also called: AHI1-related condition.
Joubert syndrome 3 (JBTS3). Also called: AHI1-related Ciliopathy. Identifiers: Orphanet 220493, MedGen C1837713, MONDO:0012078, OMIM 608629.
Joubert syndrome. Also called: Familial aplasia of the vermis; JOUBERT-BOLTSHAUSER SYNDROME. Identifiers: Orphanet 475, MedGen C5979921, MONDO:0018772.

Allele frequency attached by ClinVar (database versions not stated): ExAC below 0.00001; gnomAD exomes 0.00001 and 0.00002; gnomAD 0.00005 and 0.00006; TOPMed 0.00003.
gnomAD v4.1: 35 of 1,608,992 alleles (0.0022%); highest among the groups gnomAD compares: Admixed American, 0.0034%; no homozygotes.

Submissions (4):

PreventionGenetics, part of Exact Sciences
Classification: Uncertain significance for AHI1-related condition. Last evaluated: 2026-05-13. Review status: criteria provided, single submitter. Criteria: ACMG Guidelines, 2015. Collection method: clinical testing. Allele origin: germline.
Comment: The AHI1 c.2561G>T variant is predicted to result in the amino acid substitution p.Cys854Phe. This variant was reported, along with a second missense variant in the same gene, in an individual with developmental delay, spasticity, seizures, hypertonia, reflux, Chiari malformation, and dental caries (Lee et al. 2014. PubMed ID: 25326637). This variant is reported in 0.0059% of alleles in individuals of Latino descent in gnomAD. At this time, the clinical significance of this variant is uncertain due to the absence of conclusive functional and genetic evidence.

Labcorp Genetics (formerly Invitae), Labcorp
Classification: Uncertain significance for Joubert syndrome. Last evaluated: 2022-07-19. Review status: criteria provided, single submitter. Criteria: Invitae Variant Classification Sherloc (09022015). Collection method: clinical testing. Allele origin: germline.
Comment: This sequence change replaces cysteine, which is neutral and slightly polar, with phenylalanine, which is neutral and non-polar, at codon 854 of the AHI1 protein (p.Cys854Phe). This variant is present in population databases (rs745507530, gnomAD 0.006%). This missense change has been observed in individual(s) with developmental delay or with nonsyndromic retinitis pigmentosa (PMID: 25326637; Invitae). ClinVar contains an entry for this variant (Variation ID: 242516). Advanced modeling of protein sequence and biophysical properties (such as structural, functional, and spatial information, amino acid conservation, physicochemical variation, residue mobility, and thermodynamic stability) performed at Invitae indicates that this missense variant is expected to disrupt AHI1 protein function. In summary, the available evidence is currently insufficient to determine the role of this variant in disease. Therefore, it has been classified as a Variant of Uncertain Significance.

Fulgent Genetics
Classification: Uncertain significance for Joubert syndrome 3. Last evaluated: 2022-03-08. Review status: criteria provided, single submitter. Criteria: ACMG Guidelines, 2015. Collection method: clinical testing. Allele origin: unknown.

Blueprint Genetics
Classification: Uncertain significance. Last evaluated: 2019-08-17. Review status: criteria provided, single submitter. Criteria: ACMG Guidelines, 2015. Collection method: clinical testing. Allele origin: germline.

Literature cited by the submitters: PubMed 25326637 (cited by Labcorp Genetics (formerly Invitae), Labcorp).